The following is an entry in ClinVar:

NM_033022.4(RPS24):c.82C>T (p.Leu28Phe)

Gene: RPS24 (ribosomal protein S24; plus strand). Cytogenetic location: 10q22.3.
Variant type: single nucleotide variant.
Coding change: c.82C>T on transcript NM_033022.4 (MANE Select); coding-DNA position 82, C replaced by T.
Protein change: p.Leu28Phe; replaces leucine 28 with phenylalanine.
Molecular consequence: missense variant.
Genome position (GRCh38, 1-based): chr10:78,035,523, C>T. VCF-style: chr10-78035523-C-T. GRCh37 (hg19) VCF-style: chr10-79795281-C-T.
Other names: c.82C>T, p.Leu28Phe (NM_001026.5, NM_001142282.2, NM_001142283.2 and 2 more transcripts); short protein forms L28F.
Identifiers: ClinVar variation 1328691 (VCV001328691.5), dbSNP rs775383590, ClinGen allele CA377327983.
Genomic context (GRCh38, chr10:78,035,523, plus strand): 5'-AAGATGTATTTTATCATACTGAATGCTAAACTTGATATCTCCTTTTAGGTCATTGATGTC[C>T]TTCACCCCGGGAAGGCGACAGTGCCTAAGACAGAAATTCGGGAAAAACTAGCCAAAATGT-3'
Protein context (NP_148982.1, residues 18-38): LQRKQMVIDV[Leu28Phe]HPGKATVPKT

ClinVar aggregate classification (germline): Uncertain significance. Review status: criteria provided, multiple submitters, no conflicts (2 of 4 stars). 2 submissions from 2 submitters: Uncertain significance (2). Last evaluated 2023-07-25.

Conditions:
Diamond-Blackfan anemia. Also called: Blackfan Diamond syndrome; Aregenerative anemia chronic congenital; Red cell aplasia, pure hereditary; Congenital hypoplastic anemia; Aase syndrome. Identifiers: Orphanet 124, MedGen C1260899, MeSH D029503, MONDO:0015253, HP:0004810.

Submissions (2):

Labcorp Genetics (formerly Invitae), Labcorp
Classification: Uncertain significance for Diamond-Blackfan anemia. Last evaluated: 2023-07-25. Review status: criteria provided, single submitter. Criteria: Invitae Variant Classification Sherloc (09022015). Collection method: clinical testing. Allele origin: germline.
Comment: In summary, the available evidence is currently insufficient to determine the role of this variant in disease. Therefore, it has been classified as a Variant of Uncertain Significance. An algorithm developed to predict the effect of missense changes on protein structure and function (PolyPhen-2) suggests that this variant is likely to be tolerated. ClinVar contains an entry for this variant (Variation ID: 1328691). This variant has not been reported in the literature in individuals affected with RPS24-related conditions. This variant is not present in population databases (gnomAD no frequency). This sequence change replaces leucine, which is neutral and non-polar, with phenylalanine, which is neutral and non-polar, at codon 28 of the RPS24 protein (p.Leu28Phe).

GeneDx
Classification: Uncertain significance. Last evaluated: 2021-06-11. Review status: criteria provided, single submitter. Criteria: GeneDx Variant Classification Process June 2021. Collection method: clinical testing. Allele origin: germline. Affected: yes.
Comment: Not observed at significant frequency in large population cohorts (Lek 2016); In silico analysis supports that this missense variant has a deleterious effect on protein structure/function; Has not been previously published as pathogenic or benign to our knowledge